The following is an entry in ClinVar:

NM_004415.4(DSP):c.1266+4delinsATA

Gene: DSP (desmoplakin; plus strand). Cytogenetic location: 6p24.3.
Variant type: Indel.
Coding change: c.1266+4delinsATA on transcript NM_004415.4 (MANE Select); 4 bases into the intron after coding-DNA position 1266, T replaced by ATA.
Molecular consequence: intron variant.
Genome position (GRCh38, 1-based): chr6:7,567,910, T replaced by ATA. VCF-style: chr6-7567910-T-ATA. GRCh37 (hg19) VCF-style: chr6-7568143-T-ATA.
Other names: c.1266+4delinsATA (NM_001319034.2, NM_001008844.3).
Identifiers: ClinVar variation 1764096 (VCV001764096.2), dbSNP rs2533882137, ClinGen allele CA2580075376.

ClinVar aggregate classification (germline): Uncertain significance (1 of 4 stars; one submission).

Conditions:
Cardiovascular phenotype. Identifiers: MedGen CN230736.

Submission:

Ambry Genetics
Classification: Uncertain significance for Cardiovascular phenotype. Last evaluated: 2022-02-08. Review status: criteria provided, single submitter. Criteria: Ambry Variant Classification Scheme 2023. Collection method: clinical testing. Allele origin: germline.
Comment: The c.1266+4delTinsATA intronic variant is located 4 nucleotides after coding exon 10 in the DSP gene. This variant results from a deletion of one nucleotide and the insertion of 3 nucleotides at nucleotide position c.1266+4. This nucleotide position is poorly conserved in available vertebrate species. In silico splice site analysis predicts that this alteration will not have any significant effect on splicing. Since supporting evidence is limited at this time, the clinical significance of this alteration remains unclear.